The following is an entry in ClinVar:

ClinVar aggregate classification (germline): Uncertain significance (1 of 4 stars; one submission).

Conditions:
Bardet-Biedl syndrome (BBS). Identifiers: Orphanet 110, MedGen C0752166, MONDO:0015229.

Allele frequency attached by ClinVar (database versions not stated): gnomAD exomes below 0.00001; gnomAD 0.00001; TOPMed 0.00002; 1000 Genomes Project 0.00020; 1000 Genomes Project 30x 0.00031.
gnomAD v4.1: 4 of 1,613,364 alleles (0.00025%); highest among the groups gnomAD compares: African/African-American, 0.0053%; no homozygotes.

Submission:

Labcorp Genetics (formerly Invitae), Labcorp
Classification: Uncertain significance for Bardet-Biedl syndrome. Last evaluated: 2022-11-08. Review status: criteria provided, single submitter. Criteria: Invitae Variant Classification Sherloc (09022015). Collection method: clinical testing. Allele origin: germline.
Comment: In summary, the available evidence is currently insufficient to determine the role of this variant in disease. Therefore, it has been classified as a Variant of Uncertain Significance. This sequence change replaces histidine, which is basic and polar, with glutamine, which is neutral and polar, at codon 497 of the WDPCP protein (p.His497Gln). Advanced modeling of protein sequence and biophysical properties (such as structural, functional, and spatial information, amino acid conservation, physicochemical variation, residue mobility, and thermodynamic stability) performed at Invitae indicates that this missense variant is not expected to disrupt WDPCP protein function. ClinVar contains an entry for this variant (Variation ID: 1493831). This variant has not been reported in the literature in individuals affected with WDPCP-related conditions. This variant is present in population databases (rs577571642, gnomAD 0.007%).

NM_015910.7(WDPCP):c.1491C>G (p.His497Gln)

Gene: WDPCP (WD repeat containing planar cell polarity effector; minus strand). Cytogenetic location: 2p15.
Variant type: single nucleotide variant.
Coding change: c.1491C>G on transcript NM_015910.7 (MANE Select); coding-DNA position 1491, C replaced by G.
Protein change: p.His497Gln; replaces histidine 497 with glutamine.
Molecular consequence: missense variant. On other transcripts: non-coding transcript variant (3).
Genome position (GRCh38, 1-based): chr2:63,382,039, G>C on the plus strand (C>G on the coding strand, the complement: WDPCP is on the minus strand). VCF-style: chr2-63382039-G-C. GRCh37 (hg19) VCF-style: chr2-63609174-G-C.
Other names: c.1014C>G, p.His338Gln (NM_001042692.3); c.1419C>G, p.His473Gln (NM_001354044.2); c.1491C>G, p.His497Gln (NM_001354045.2); short protein forms H338Q, H473Q, H497Q.
Identifiers: ClinVar variation 1493831 (VCV001493831.8), dbSNP rs577571642, ClinGen allele CA49231290.